The following is an entry in ClinVar:

NM_001042492.3(NF1):c.1653dup (p.Leu552fs)

Gene: NF1 (neurofibromin 1; plus strand). Cytogenetic location: 17q11.2.
Variant type: Duplication.
Coding change: c.1653dup on transcript NM_001042492.3 (MANE Select); coding-DNA position 1653, one base duplicated (T; older notation c.1653dupT).
Protein change: p.Leu552fs; shifts the reading frame from leucine 552.
Molecular consequence: frameshift variant.
Genome position (GRCh38, 1-based): chr17:31,221,861, T duplicated; the last of 2 consecutive T bases (chr17:31,221,860-31,221,861); duplicating either gives the same sequence. VCF-style (leftmost placement, unchanged base first): chr17-31221859-G-GT. GRCh37 (hg19) VCF-style: chr17-29548877-G-GT.
Other names: c.1653dup, p.Leu552Serfs (NM_000267.4); c.1653dup, p.Leu552fs (NM_001128147.3); short protein forms L552fs.
Identifiers: ClinVar variation 2001787 (VCV002001787.4), dbSNP rs2508108160, ClinGen allele CA2580092934.

ClinVar aggregate classification (germline): Pathogenic (1 of 4 stars; one submission).

Conditions:
Neurofibromatosis, type 1 (NF1). Also called: Neurofibromatosis, type I; Peripheral type neurofibromatosis; NEUROFIBROMATOSIS, TYPE I, SOMATIC; VON RECKLINGHAUSEN DISEASE. Identifiers: Orphanet 636, MedGen C0027831, MONDO:0018975, OMIM 162200. Disease mechanism: loss of function.

Submission:

Labcorp Genetics (formerly Invitae), Labcorp
Classification: Pathogenic for Neurofibromatosis, type 1. Last evaluated: 2024-12-28. Review status: criteria provided, single submitter. Criteria: Invitae Variant Classification Sherloc (09022015). Collection method: clinical testing. Allele origin: germline.
Comment: This sequence change creates a premature translational stop signal (p.Leu552Serfs*6) in the NF1 gene. It is expected to result in an absent or disrupted protein product. Loss-of-function variants in NF1 are known to be pathogenic (PMID: 10712197, 23913538). This variant is not present in population databases (gnomAD no frequency). This variant has not been reported in the literature in individuals affected with NF1-related conditions. ClinVar contains an entry for this variant (Variation ID: 2001787). Algorithms developed to predict the effect of sequence changes on RNA splicing suggest that this variant may disrupt the consensus splice site. For these reasons, this variant has been classified as Pathogenic.

Literature cited by the submitters: PubMed 10712197; PubMed 23913538.